The following is an entry in ClinVar:

NM_016156.6(MTMR2):c.934C>T (p.Gln312Ter)

Gene: MTMR2 (myotubularin related protein 2; minus strand). Cytogenetic location: 11q21.
Variant type: single nucleotide variant.
Coding change: c.934C>T on transcript NM_016156.6 (MANE Select); coding-DNA position 934, C replaced by T.
Protein change: p.Gln312Ter; replaces glutamine 312 with a stop codon.
Molecular consequence: nonsense.
Genome position (GRCh38, 1-based): chr11:95,849,733, G>A on the plus strand (C>T on the coding strand, the complement: MTMR2 is on the minus strand). VCF-style: chr11-95849733-G-A. GRCh37 (hg19) VCF-style: chr11-95582897-G-A.
Other names: c.718C>T, p.Gln240Ter (NM_001243571.2, NM_201278.3, NM_201281.3); short protein forms Q240*, Q312*.
Identifiers: ClinVar variation 3659428 (VCV003659428.2).

ClinVar aggregate classification (germline): Pathogenic (1 of 4 stars; one submission).

Conditions:
Charcot-Marie-Tooth disease type 4. Also called: Charcot-Marie-Tooth, Type 4; Charcot-Marie-Tooth disease, type IV. Identifiers: Orphanet 64749, MedGen C4082197, MONDO:0018995.

Submission:

Labcorp Genetics (formerly Invitae), Labcorp
Classification: Pathogenic for Charcot-Marie-Tooth disease type 4. Last evaluated: 2024-07-13. Review status: criteria provided, single submitter. Criteria: Invitae Variant Classification Sherloc (09022015). Collection method: clinical testing. Allele origin: germline.
Comment: This sequence change creates a premature translational stop signal (p.Gln312*) in the MTMR2 gene. It is expected to result in an absent or disrupted protein product. Loss-of-function variants in MTMR2 are known to be pathogenic (PMID: 10802647). This variant is not present in population databases (gnomAD no frequency). This variant has not been reported in the literature in individuals affected with MTMR2-related conditions. For these reasons, this variant has been classified as Pathogenic.

Literature cited by the submitters: PubMed 10802647.